The following is an entry in ClinVar:

ClinVar aggregate classification (germline): Uncertain significance (1 of 4 stars; one submission).

gnomAD v4.1: 2 of 1,612,536 alleles (0.00012%); highest among the groups gnomAD compares: Non-Finnish European, 0.00017%; no homozygotes.

Submission:

CeGaT Center for Human Genetics Tuebingen
Classification: Uncertain significance. Last evaluated: 2025-11-01. Review status: criteria provided, single submitter. Criteria: CeGaT Center For Human Genetics Tuebingen Variant Classification Criteria Version 2. Collection method: clinical testing. Allele origin: germline. Affected: yes. Observed: 1 variant allele.
Comment: TTN: PM2, BP4

NM_001267550.2(TTN):c.49474C>G (p.Pro16492Ala)

Genes: TTN (titin; minus strand), TTN-AS1 (TTN antisense RNA 1; plus strand). Cytogenetic location: 2q31.2.
Variant type: single nucleotide variant.
Coding change: c.49474C>G on transcript NM_001267550.2 (MANE Select); coding-DNA position 49474, C replaced by G.
Protein change: p.Pro16492Ala; replaces proline 16492 with alanine.
Molecular consequence: missense variant.
Genome position (GRCh38, 1-based): chr2:178,613,809, G>C on the plus strand (C>G on the coding strand, the complement: TTN is on the minus strand). VCF-style: chr2-178613809-G-C. GRCh37 (hg19) VCF-style: chr2-179478536-G-C.
Other names: c.44551C>G, p.Pro14851Ala (NM_001256850.1); c.22279C>G, p.Pro7427Ala (NM_003319.4); c.41770C>G, p.Pro13924Ala (NM_133378.4); c.22654C>G, p.Pro7552Ala (NM_133432.3); c.22855C>G, p.Pro7619Ala (NM_133437.4); short protein forms P13924A, P14851A, P16492A, P7427A, P7552A, P7619A.
Identifiers: ClinVar variation 4535348 (VCV004535348.6).